The following is an entry in ClinVar:

NM_001267550.2(TTN):c.53355G>A (p.Trp17785Ter)

Genes: TTN (titin; minus strand), TTN-AS1 (TTN antisense RNA 1; plus strand), LOC126806425 (BRD4-independent group 4 enhancer GRCh37_chr2:179471933-179473132; plus strand). Cytogenetic location: 2q31.2.
Variant type: single nucleotide variant.
Coding change: c.53355G>A on transcript NM_001267550.2 (MANE Select); coding-DNA position 53355, G replaced by A.
Protein change: p.Trp17785Ter; replaces tryptophan 17785 with a stop codon.
Molecular consequence: nonsense.
Genome position (GRCh38, 1-based): chr2:178,607,247, C>T on the plus strand (G>A on the coding strand, the complement: TTN is on the minus strand). VCF-style: chr2-178607247-C-T. GRCh37 (hg19) VCF-style: chr2-179471974-C-T.
Other names: p.W16144*:TGG>TGA; c.48432G>A, p.Trp16144Ter (NM_001256850.1); c.26160G>A, p.Trp8720Ter (NM_003319.4); c.45651G>A, p.Trp15217Ter (NM_133378.4); c.26535G>A, p.Trp8845Ter (NM_133432.3); c.26736G>A, p.Trp8912Ter (NM_133437.4); short protein forms W16144*, W17785*, W8845*, W8912*, W8720*, W15217*.
Identifiers: ClinVar variation 202389 (VCV000202389.7), dbSNP rs794729273, ClinGen allele CA309270.

ClinVar aggregate classification (germline): Pathogenic/Likely pathogenic. Review status: criteria provided, multiple submitters, no conflicts (2 of 4 stars). 4 submissions from 4 submitters: Pathogenic (1); Likely pathogenic (3). Last evaluated 2026-01-09.

Conditions:
TTN-related disorder. Also called: TTN-related condition; TTN-related disease; TTN-related disorders.
Cardiovascular phenotype. Identifiers: MedGen CN230736.

Allele frequency attached by ClinVar (database versions not stated): gnomAD exomes below 0.00001.
gnomAD v4.1: 4 of 1,612,896 alleles (0.00025%); highest among the groups gnomAD compares: Middle Eastern, 0.017%; no homozygotes.

Submissions (4):

PreventionGenetics, part of Exact Sciences
Classification: Likely pathogenic for TTN-related condition. Last evaluated: 2026-01-09. Review status: criteria provided, single submitter. Criteria: ACMG Guidelines, 2015. Collection method: clinical testing. Allele origin: germline.
Comment: The TTN c.53355G>A variant is predicted to result in premature protein termination (p.Trp17785*). This variant was reported in association with autosomal dominant titinopathy (Reported as c.48432 G>A p.W16144X, Table 6, Yavarna et al 2015. PubMed ID: 26077850). This variant has not been reported in gnomAD, indicating this variant is rare. The c.53355G>A variant is located in exon 279 of the A-band region of the protein in which truncating TTN variants have been found more frequently in dilated cardiomyopathy patients than in controls (Herman et al. 2012. PubMed ID: 22335739). RNAseq studies from heart tissue indicate this exon is commonly included in TTN mRNA transcripts (PSI of 94%-100%, Roberts A.M. et al. 2015. PMID: 25589632). TTN truncating variants are reported in 1-2% of presumably healthy individuals, but occur more frequently in exons with low PSI values (Roberts A.M. et al. 2015. PMID: 25589632; Herman D.S. et al. 2012. PMID: 22335739). In summary, the c.53355G>A variant is likely pathogenic for autosomal recessive and dominant TTN-related disorders.

Blueprint Genetics
Classification: Likely pathogenic for TTN-related disorders. Last evaluated: 2024-05-15. Review status: criteria provided, single submitter. Criteria: ACMG Guidelines, 2015. Collection method: clinical testing. Allele origin: germline. Affected: yes. Observed: 1 variant allele.

Ambry Genetics
Classification: Likely pathogenic for Cardiovascular phenotype. Last evaluated: 2019-11-07. Review status: criteria provided, single submitter. Criteria: Ambry Variant Classification Scheme 2023. Collection method: clinical testing. Allele origin: germline.
Comment: The p.W8720* variant (also known as c.26160G>A), located in coding exon 105 of the TTN gene, results from a G to A substitution at nucleotide position 26160. This changes the amino acid from a tryptophan to a stop codon within coding exon 105. This exon is located in the A-band region of the N2-B isoform of the titin protein and is constitutively expressed in TTN transcripts (percent spliced in or PSI 100%). This alteration has been reported in a whole exome sequencing cohort (Yavarna T et al. Hum. Genet., 2015 Sep;134:967-80). This alteration is expected to result in loss of function by premature protein truncation or nonsense-mediated mRNA decay. While truncating variants in TTN are present in 1-3% of the general population, truncating variants in the A-band are the most common cause of dilated cardiomyopathy (DCM) (Herman DS et al. N. Engl. J. Med., 2012 Feb;366:619-28; Roberts AM et al. Sci Transl Med, 2015 Jan;7:270ra6). TTN truncating variants encoded in constitutive exons (PSI >90%) have been found to be significantly associated with DCM regardless of their position in titin (Schafer S et al. Nat. Genet., 2017 01;49:46-53). As such, this alteration is classified as likely pathogenic.

GeneDx
Classification: Pathogenic. Last evaluated: 2018-03-09. Review status: criteria provided, single submitter. Criteria: GeneDx Variant Classification (06012015). Collection method: clinical testing. Allele origin: germline. Affected: yes.
Comment: The W16144X pathogenic variant in the TTN gene has not been reported previously as a pathogenic variant nor as a benign polymorphism, to our knowledge. This nonsense mutation is predicted to cause loss of normal protein function either through protein truncation or nonsense-mediated mRNA decay. The W16144X variant was not observed in approximately 6,000 individuals of European and African American ancestry in the NHLBI Exome Sequencing Project, indicating it is not a common benign variant in these populations. Truncating variants in the TTN gene have been reported in approximately 3% of reported control alleles (Herman et al., 2012). W16144X is located in the A-band region of titin, where the majority of truncating and splice site variants associated with cardiomyopathy have been reported (Herman D et al., 2012). We interpret W16144X as a pathogenic variant.

Literature cited by the submitters: PubMed 26077850 (cited by Ambry Genetics).